The following is an entry in ClinVar:

ClinVar aggregate classification (germline): Uncertain significance. Review status: criteria provided, multiple submitters, no conflicts (2 of 4 stars). 2 submissions from 2 submitters: Uncertain significance (2). Last evaluated 2022-06-27.

Allele frequency attached by ClinVar (database versions not stated): gnomAD exomes below 0.00001; gnomAD 0.00001; TOPMed 0.00001.
gnomAD v4.1: 4 of 1,614,098 alleles (0.00025%); highest among the groups gnomAD compares: Non-Finnish European, 0.00034%; no homozygotes.

Submissions (2):

Blueprint Genetics
Classification: Uncertain significance. Last evaluated: 2022-06-27. Review status: criteria provided, single submitter. Criteria: ACMG Guidelines, 2015. Collection method: clinical testing. Allele origin: germline.

Labcorp Genetics (formerly Invitae), Labcorp
Classification: Uncertain significance. Last evaluated: 2021-08-28. Review status: criteria provided, single submitter. Criteria: Invitae Variant Classification Sherloc (09022015). Collection method: clinical testing. Allele origin: germline.
Comment: This sequence change replaces asparagine with aspartic acid at codon 67 of the PCARE protein (p.Asn67Asp). The asparagine residue is moderately conserved and there is a small physicochemical difference between asparagine and aspartic acid. This variant is not present in population databases (ExAC no frequency). This variant has not been reported in the literature in individuals affected with PCARE-related conditions. Algorithms developed to predict the effect of missense changes on protein structure and function output the following: SIFT: "Tolerated"; PolyPhen-2: "Benign"; Align-GVGD: "Class C0". The aspartic acid amino acid residue is found in multiple mammalian species, which suggests that this missense change does not adversely affect protein function. In summary, the available evidence is currently insufficient to determine the role of this variant in disease. Therefore, it has been classified as a Variant of Uncertain Significance.

NM_001029883.3(PCARE):c.199A>G (p.Asn67Asp)

Gene: PCARE (photoreceptor cilium actin regulator; minus strand). Cytogenetic location: 2p23.2.
Variant type: single nucleotide variant.
Coding change: c.199A>G on transcript NM_001029883.3 (MANE Select); coding-DNA position 199, A replaced by G.
Protein change: p.Asn67Asp; replaces asparagine 67 with aspartic acid.
Molecular consequence: missense variant.
Genome position (GRCh38, 1-based): chr2:29,074,063, T>C on the plus strand (A>G on the coding strand, the complement: PCARE is on the minus strand). VCF-style: chr2-29074063-T-C. GRCh37 (hg19) VCF-style: chr2-29296929-T-C.
Other names: short protein forms N67D.
Identifiers: ClinVar variation 941910 (VCV000941910.8), dbSNP rs1464484832, ClinGen allele CA346482828.